The following is an entry in ClinVar:

NM_017491.5(WDR1):c.568C>T (p.Arg190Cys)

Gene: WDR1 (WD repeat domain 1; minus strand). Cytogenetic location: 4p16.1.
Variant type: single nucleotide variant.
Coding change: c.568C>T on transcript NM_017491.5 (MANE Select); coding-DNA position 568, C replaced by T.
Protein change: p.Arg190Cys; replaces arginine 190 with cysteine.
Molecular consequence: missense variant.
Genome position (GRCh38, 1-based): chr4:10,088,732, G>A on the plus strand (C>T on the coding strand, the complement: WDR1 is on the minus strand). VCF-style: chr4-10088732-G-A. GRCh37 (hg19) VCF-style: chr4-10090356-G-A.
Other names: c.148C>T, p.Arg50Cys (NM_005112.5); short protein forms R190C, R50C.
Identifiers: ClinVar variation 1394595 (VCV001394595.6), dbSNP rs1046344594, ClinGen allele CA92233251.

ClinVar aggregate classification (germline): Uncertain significance (1 of 4 stars; one submission).

Allele frequency attached by ClinVar (database versions not stated): gnomAD 0.00001; TOPMed 0.00001.
gnomAD v4.1: 8 of 1,600,766 alleles (0.0005%); highest among the groups gnomAD compares: African/African-American, 0.0027%; no homozygotes.

Submission:

Labcorp Genetics (formerly Invitae), Labcorp
Classification: Uncertain significance. Last evaluated: 2021-09-02. Review status: criteria provided, single submitter. Criteria: Invitae Variant Classification Sherloc (09022015). Collection method: clinical testing. Allele origin: germline.
Comment: This sequence change replaces arginine with cysteine at codon 190 of the WDR1 protein (p.Arg190Cys). The arginine residue is moderately conserved and there is a large physicochemical difference between arginine and cysteine. This variant is not present in population databases (ExAC no frequency). This variant has not been reported in the literature in individuals affected with WDR1-related conditions. Algorithms developed to predict the effect of missense changes on protein structure and function are either unavailable or do not agree on the potential impact of this missense change (SIFT: "Deleterious"; PolyPhen-2: "Probably Damaging"; Align-GVGD: "Class C0"). In summary, the available evidence is currently insufficient to determine the role of this variant in disease. Therefore, it has been classified as a Variant of Uncertain Significance.